The following is an entry in ClinVar:

ClinVar aggregate classification (germline): Uncertain significance (1 of 4 stars; one submission).

Conditions:
Emery-Dreifuss muscular dystrophy 4, autosomal dominant (EDMD4). Also called: EMERY-DREIFUSS MUSCULAR DYSTROPHY 4 WITH VARIABLE FEATURES. Identifiers: Orphanet 261, MedGen C2751807, MONDO:0013071, OMIM 612998.
Autosomal recessive ataxia, Beauce type. Also called: SYNE1-Related Autosomal Recessive Cerebellar Ataxia; Spinocerebellar ataxia, autosomal recessive 8; ATAXIA, RECESSIVE, OF BEAUCE; SYNE1 Deficiency. Identifiers: Orphanet 88644, MedGen C1853116, MONDO:0012549, OMIM 610743.

Submission:

Labcorp Genetics (formerly Invitae), Labcorp
Classification: Uncertain significance for Emery-Dreifuss muscular dystrophy 4, autosomal dominant; Autosomal recessive ataxia, Beauce type. Last evaluated: 2021-08-27. Review status: criteria provided, single submitter. Criteria: Invitae Variant Classification Sherloc (09022015). Collection method: clinical testing. Allele origin: germline.
Comment: This sequence change replaces isoleucine with asparagine at codon 3949 of the SYNE1 protein (p.Ile3949Asn). The isoleucine residue is highly conserved and there is a large physicochemical difference between isoleucine and asparagine. This variant is not present in population databases (ExAC no frequency). This variant has not been reported in the literature in individuals affected with SYNE1-related conditions. Algorithms developed to predict the effect of missense changes on protein structure and function are either unavailable or do not agree on the potential impact of this missense change (SIFT: "Deleterious"; PolyPhen-2: "Benign"; Align-GVGD: "Class C65"). In summary, the available evidence is currently insufficient to determine the role of this variant in disease. Therefore, it has been classified as a Variant of Uncertain Significance.

NM_182961.4(SYNE1):c.12059T>A (p.Ile4020Asn)

Gene: SYNE1 (spectrin repeat containing nuclear envelope protein 1; minus strand). Cytogenetic location: 6q25.2.
Variant type: single nucleotide variant.
Coding change: c.12059T>A on transcript NM_182961.4 (MANE Select); coding-DNA position 12059, T replaced by A.
Protein change: p.Ile4020Asn; replaces isoleucine 4020 with asparagine.
Molecular consequence: missense variant.
Genome position (GRCh38, 1-based): chr6:152,347,078, A>T on the plus strand (T>A on the coding strand, the complement: SYNE1 is on the minus strand). VCF-style: chr6-152347078-A-T. GRCh37 (hg19) VCF-style: chr6-152668213-A-T.
Other names: c.11846T>A, p.Ile3949Asn (NM_033071.5); short protein forms I3949N, I4020N.
Identifiers: ClinVar variation 1384226 (VCV001384226.5), dbSNP rs2154025477, ClinGen allele CA366114019.